The following is an entry in ClinVar:

ClinVar aggregate classification (germline): Pathogenic. Review status: criteria provided, multiple submitters, no conflicts (2 of 4 stars). 2 submissions from 2 submitters: Pathogenic (2). Last evaluated 2022-12-30.

Submissions (2):

Clinical Genetics Laboratory, Skane University Hospital Lund
Classification: Pathogenic. Last evaluated: 2022-12-30. Review status: criteria provided, single submitter. Criteria: ACMG Guidelines, 2015. Collection method: clinical testing. Allele origin: germline. Affected: yes.

GeneDx
Classification: Pathogenic. Last evaluated: 2019-08-23. Review status: criteria provided, single submitter. Criteria: GeneDx Variant Classification Process June 2021. Collection method: clinical testing. Allele origin: germline. Affected: yes.
Comment: Has been previously reported in association with HCM (Berge et al., 2014); Not observed in large population cohorts (Lek et al., 2016); Nonsense variant predicted to result in protein truncation or nonsense mediated decay in a gene for which loss-of-function is a known mechanism of disease; This variant is associated with the following publications: (PMID: 24111713)

NM_000256.3(MYBPC3):c.2391C>G (p.Tyr797Ter)

Gene: MYBPC3 (myosin binding protein C3; minus strand). Cytogenetic location: 11p11.2.
Variant type: single nucleotide variant.
Coding change: c.2391C>G on transcript NM_000256.3 (MANE Select); coding-DNA position 2391, C replaced by G.
Protein change: p.Tyr797Ter; replaces tyrosine 797 with a stop codon.
Molecular consequence: nonsense.
Genome position (GRCh38, 1-based): chr11:47,337,712, G>C on the plus strand (C>G on the coding strand, the complement: MYBPC3 is on the minus strand). VCF-style: chr11-47337712-G-C. GRCh37 (hg19) VCF-style: chr11-47359263-G-C.
Other names: c.2391C>G, p.Tyr797Ter (LRG_386t1); short protein forms Y797*.
Identifiers: ClinVar variation 489060 (VCV000489060.5), dbSNP rs727504864, ClinGen allele CA380318667.